The following is an entry in ClinVar:

ClinVar aggregate classification (germline): Uncertain significance (1 of 4 stars; one submission).

Allele frequency attached by ClinVar (database versions not stated): ExAC 0.00002; gnomAD exomes 0.00002; TOPMed below 0.00001.
gnomAD v4.1: 12 of 1,614,212 alleles (0.00074%); highest among the groups gnomAD compares: Non-Finnish European, 0.00085%; no homozygotes.

Submission:

Labcorp Genetics (formerly Invitae), Labcorp
Classification: Uncertain significance. Last evaluated: 2022-06-29. Review status: criteria provided, single submitter. Criteria: Invitae Variant Classification Sherloc (09022015). Collection method: clinical testing. Allele origin: germline.
Comment: In summary, the available evidence is currently insufficient to determine the role of this variant in disease. Therefore, it has been classified as a Variant of Uncertain Significance. Algorithms developed to predict the effect of missense changes on protein structure and function (SIFT, PolyPhen-2, Align-GVGD) all suggest that this variant is likely to be tolerated. This variant has not been reported in the literature in individuals affected with PPCS-related conditions. This variant is present in population databases (rs748563516, gnomAD 0.002%). This sequence change replaces glutamic acid, which is acidic and polar, with aspartic acid, which is acidic and polar, at codon 284 of the PPCS protein (p.Glu284Asp).

NM_024664.4(PPCS):c.852A>C (p.Glu284Asp)

Genes: CCDC30 (coiled-coil domain containing 30; plus strand), PPCS (phosphopantothenoylcysteine synthetase; plus strand). Cytogenetic location: 1p34.2.
Variant type: single nucleotide variant.
Coding change: c.852A>C on transcript NM_024664.4 (MANE Select); coding-DNA position 852, A replaced by C.
Protein change: p.Glu284Asp; replaces glutamic acid 284 with aspartic acid.
Molecular consequence: missense variant. On other transcripts: intron variant (2).
Genome position (GRCh38, 1-based): chr1:42,459,842, A>C. VCF-style: chr1-42459842-A-C. GRCh37 (hg19) VCF-style: chr1-42925513-A-C.
Other names: c.612+2492A>C (NM_001287511.2); c.333A>C, p.Glu111Asp (NM_001077447.3, NM_001287506.1, NM_001287508.2 and 2 more transcripts); c.234A>C, p.Glu78Asp (NM_001287507.1); c.-880+2492A>C (NM_001355226.2); short protein forms E284D, E78D, E111D.
Identifiers: ClinVar variation 1930680 (VCV001930680.3), dbSNP rs748563516, ClinGen allele CA800085.